The following is an entry in ClinVar:

ClinVar aggregate classification (germline): Uncertain significance (1 of 4 stars; one submission).

Conditions:
Autosomal dominant childhood-onset proximal spinal muscular atrophy with contractures (SMALED2A). Also called: SPINAL MUSCULAR ATROPHY, LOWER EXTREMITY-PREDOMINANT, 2A, CHILDHOOD ONSET, AUTOSOMAL DOMINANT; Spinal muscular atrophy, lower extremity-predominant, 2A, autosomal dominant. Identifiers: Orphanet 363447, Orphanet 363454, MedGen C4747715, MONDO:0014121, OMIM 615290.

Submission:

Labcorp Genetics (formerly Invitae), Labcorp
Classification: Uncertain significance for Autosomal dominant childhood-onset proximal spinal muscular atrophy with contractures. Last evaluated: 2017-06-02. Review status: criteria provided, single submitter. Criteria: Invitae Variant Classification Sherloc (09022015). Collection method: clinical testing. Allele origin: germline.
Comment: This sequence change creates a premature translational stop signal (p.Arg578Valfs*40) in the BICD2 gene. It is expected to result in an absent or disrupted protein product. This variant is not present in population databases (ExAC no frequency). This variant has not been reported in the literature in individuals with a BICD2-related disease. The current clinical and genetic evidence is not sufficient to establish whether loss-of-function variants in BICD2 cause disease. In summary, this variant has uncertain impact on BICD2 function. The available evidence is currently insufficient to determine its role in disease. Therefore, it has been classified as a Variant of Uncertain Significance.

NM_001003800.2(BICD2):c.1732del (p.Arg578fs)

Gene: BICD2 (BICD cargo adaptor 2; minus strand). Cytogenetic location: 9q22.31.
Variant type: Deletion.
Coding change: c.1732del on transcript NM_001003800.2 (MANE Select); coding-DNA position 1732, one base deleted (C; older notation c.1732delC).
Protein change: p.Arg578fs; shifts the reading frame from arginine 578.
Molecular consequence: frameshift variant.
Genome position (GRCh38, 1-based): chr9:92,718,913, G deleted on the plus strand (C on the coding strand, the reverse complement: BICD2 is on the minus strand). VCF-style (leftmost placement, unchanged base first): chr9-92718912-CG-C. GRCh37 (hg19) VCF-style: chr9-95481194-CG-C.
Other names: c.1732del, p.Arg578fs (NM_015250.4); short protein forms R578fs.
Identifiers: ClinVar variation 474265 (VCV000474265.7), dbSNP rs1554705455, ClinGen allele CA658657873.
Genomic context (GRCh38, chr9:92,718,912, plus strand): 5'-GCTCGGCCCGCCTCAGGAGCCAGCAGCCCCTTGGGTAGGAGGATGGGTGAGCGCCGGCCA[CG>C]CGCCTCGGGGCTGGTGCGGCCCCCGGGACTGGTGCGGCCGGCCCCGCCCTGGCCCTCGCG-3'